The following is an entry in ClinVar:

ClinVar aggregate classification (germline): Uncertain significance (1 of 4 stars; one submission).

Conditions:
SLC1A3-related disorder. Also called: SLC1A3-related condition.

gnomAD v4.1: 1 of 1,614,016 alleles (0.000062%); highest among the groups gnomAD compares: Non-Finnish European, 0.000085%; no homozygotes.

Submission:

PreventionGenetics, part of Exact Sciences
Classification: Uncertain significance for SLC1A3-related condition. Last evaluated: 2022-11-15. Review status: criteria provided, single submitter. Criteria: ACMG Guidelines, 2015. Collection method: clinical testing. Allele origin: germline.
Comment: The SLC1A3 c.139C>G variant is predicted to result in the amino acid substitution p.Arg47Gly. To our knowledge, this variant has not been reported in the literature or in a large population database, indicating this variant is rare. At this time, the clinical significance of this variant is uncertain due to the absence of conclusive functional and genetic evidence.

NM_004172.5(SLC1A3):c.139C>G (p.Arg47Gly)

Gene: SLC1A3 (solute carrier family 1 member 3; plus strand). Cytogenetic location: 5p13.2.
Variant type: single nucleotide variant.
Coding change: c.139C>G on transcript NM_004172.5 (MANE Select); coding-DNA position 139, C replaced by G.
Protein change: p.Arg47Gly; replaces arginine 47 with glycine.
Molecular consequence: missense variant.
Genome position (GRCh38, 1-based): chr5:36,608,562, C>G. VCF-style: chr5-36608562-C-G. GRCh37 (hg19) VCF-style: chr5-36608664-C-G.
Other names: c.139C>G, p.Arg47Gly (NM_001166695.3, NM_001166696.3, NM_001289939.2 and 1 more transcripts); short protein forms R47G.
Identifiers: ClinVar variation 2635090 (VCV002635090.1), dbSNP rs2477871926, ClinGen allele CA359486071.